The following is an entry in ClinVar:

NM_005450.6(NOG):c.308A>T (p.Glu103Val)

Gene: NOG (noggin; plus strand). Cytogenetic location: 17q22.
Variant type: single nucleotide variant.
Coding change: c.308A>T on transcript NM_005450.6 (MANE Select); coding-DNA position 308, A replaced by T.
Protein change: p.Glu103Val; replaces glutamic acid 103 with valine.
Molecular consequence: missense variant.
Genome position (GRCh38, 1-based): chr17:56,594,531, A>T. VCF-style: chr17-56594531-A-T. GRCh37 (hg19) VCF-style: chr17-54671892-A-T.
Other names: short protein forms E103V.
Identifiers: ClinVar variation 1501933 (VCV001501933.7), dbSNP rs373305050, ClinGen allele CA8663183.

ClinVar aggregate classification (germline): Uncertain significance. Review status: criteria provided, multiple submitters, no conflicts (2 of 4 stars). 2 submissions from 2 submitters: Uncertain significance (2). Last evaluated 2026-01-17.

Allele frequency attached by ClinVar (database versions not stated): gnomAD exomes below 0.00001 and 0.00001; TOPMed 0.00001; ExAC 0.00003; ESP Exome Variant Server 0.00008.

Submissions (2):

Labcorp Genetics (formerly Invitae), Labcorp
Classification: Uncertain significance. Last evaluated: 2026-01-17. Review status: criteria provided, single submitter. Criteria: Invitae Variant Classification Sherloc (09022015). Collection method: clinical testing. Allele origin: germline.
Comment: This sequence change replaces glutamic acid, which is acidic and polar, with valine, which is neutral and non-polar, at codon 103 of the NOG protein (p.Glu103Val). This variant is present in population databases (rs373305050, gnomAD 0.009%). This variant has not been reported in the literature in individuals affected with NOG-related conditions. ClinVar contains an entry for this variant (Variation ID: 1501933). An algorithm developed to predict the effect of missense changes on protein structure and function (PolyPhen-2) suggests that this variant is likely to be disruptive. In summary, the available evidence is currently insufficient to determine the role of this variant in disease. Therefore, it has been classified as a Variant of Uncertain Significance.

Blueprint Genetics
Classification: Uncertain significance. Last evaluated: 2020-02-14. Review status: criteria provided, single submitter. Criteria: ACMG Guidelines, 2015. Collection method: clinical testing. Allele origin: germline.